The following is an entry in ClinVar:

NM_002473.6(MYH9):c.3912C>T (p.Ser1304=)

Gene: MYH9 (myosin heavy chain 9; minus strand). Cytogenetic location: 22q12.3.
Variant type: single nucleotide variant.
Coding change: c.3912C>T on transcript NM_002473.6 (MANE Select); coding-DNA position 3912, C replaced by T.
Protein change: p.Ser1304=; no amino-acid change (serine 1304 retained).
Molecular consequence: synonymous variant.
Genome position (GRCh38, 1-based): chr22:36,293,789, G>A on the plus strand (C>T on the coding strand, the complement: MYH9 is on the minus strand). VCF-style: chr22-36293789-G-A. GRCh37 (hg19) VCF-style: chr22-36689835-G-A.
Identifiers: ClinVar variation 2158617 (VCV002158617.6), dbSNP rs1419369426, ClinGen allele CA514473625.

ClinVar aggregate classification (germline): Likely benign. Review status: criteria provided, single submitter (1 of 4 stars). 2 submissions from 2 submitters: Likely benign (1). 1 of the submissions does not count toward it. Last evaluated 2025-12-26.

Conditions:
MYH9-related disorder. Identifiers: MedGen C1854520.

Allele frequency attached by ClinVar (database versions not stated): gnomAD exomes 0.00002; TOPMed 0.00002; gnomAD 0.00004.
gnomAD v4.1: 37 of 1,613,860 alleles (0.0023%); highest among the groups gnomAD compares: Admixed American, 0.0033%; no homozygotes.

Submissions (2):

Labcorp Genetics (formerly Invitae), Labcorp
Classification: Likely benign. Last evaluated: 2025-12-26. Review status: criteria provided, single submitter. Criteria: Invitae Variant Classification Sherloc (09022015). Collection method: clinical testing. Allele origin: germline.

PreventionGenetics, part of Exact Sciences
Classification: Likely benign for MYH9-related condition. Last evaluated: 2021-02-22. Review status: no assertion criteria provided. Collection method: clinical testing. Allele origin: germline. Not counted in ClinVar's aggregate classification.
Comment: This variant is classified as likely benign based on ACMG/AMP sequence variant interpretation guidelines (Richards et al. 2015 PMID: 25741868, with internal and published modifications).